The following is an entry in ClinVar:

NM_001177693.2(ARHGEF28):c.3385G>A (p.Val1129Ile)

Gene: ARHGEF28 (Rho guanine nucleotide exchange factor 28; plus strand). Cytogenetic location: 5q13.2.
Variant type: single nucleotide variant.
Coding change: c.3385G>A on transcript NM_001177693.2 (MANE Select); coding-DNA position 3385, G replaced by A.
Protein change: p.Val1129Ile; replaces valine 1129 with isoleucine.
Molecular consequence: missense variant.
Genome position (GRCh38, 1-based): chr5:73,887,677, G>A. VCF-style: chr5-73887677-G-A. GRCh37 (hg19) VCF-style: chr5-73183502-G-A.
Other names: c.3385G>A, p.Val1129Ile (NM_001080479.3, NM_001388078.1); c.2446G>A, p.Val816Ile (NM_001244364.2); c.3091G>A, p.Val1031Ile (NM_001388076.1); short protein forms V1031I, V1129I, V816I.
Identifiers: ClinVar variation 3357846 (VCV003357846.2).

ClinVar aggregate classification (germline): Uncertain significance. Review status: criteria provided, single submitter (1 of 4 stars). 2 submissions from 2 submitters: Uncertain significance (1). 1 of the submissions does not count toward it. Last evaluated 2025-01-19.

Conditions:
ARHGEF28-related disorder. Also called: ARHGEF28-related condition.

gnomAD v4.1: 38 of 1,564,652 alleles (0.0024%); highest among the groups gnomAD compares: South Asian, 0.025%; no homozygotes.

Submissions (2):

Ambry Genetics
Classification: Uncertain significance. Last evaluated: 2025-01-19. Review status: criteria provided, single submitter. Criteria: Ambry Variant Classification Scheme 2023. Collection method: clinical testing. Allele origin: germline.

PreventionGenetics, part of Exact Sciences
Classification: Uncertain significance for ARHGEF28-related condition. Last evaluated: 2024-03-22. Review status: no assertion criteria provided. Collection method: clinical testing. Allele origin: germline. Not counted in ClinVar's aggregate classification.
Comment: The ARHGEF28 c.3385G>A variant is predicted to result in the amino acid substitution p.Val1129Ile. To our knowledge, this variant has not been reported in the literature. This variant is reported in 0.013% of alleles in individuals of South Asian descent in gnomAD. At this time, the clinical significance of this variant is uncertain due to the absence of conclusive functional and genetic evidence.